The following is an entry in ClinVar:

ClinVar aggregate classification (germline): Uncertain significance (1 of 4 stars; one submission).

Conditions:
DMXL2-related disorder. Also called: DMXL2-related condition.

gnomAD v4.1: 6 of 1,613,136 alleles (0.00037%); highest among the groups gnomAD compares: Admixed American, 0.0067%; no homozygotes.

Submission:

PreventionGenetics, part of Exact Sciences
Classification: Uncertain significance for DMXL2-related condition. Last evaluated: 2026-09-22. Review status: criteria provided, single submitter. Criteria: ACMG Guidelines, 2015. Collection method: clinical testing. Allele origin: germline.
Comment: The DMXL2 c.6781G>A variant is predicted to result in the amino acid substitution p.Ala2261Thr. To our knowledge, this variant has not been reported in the literature. This variant is reported in 0.0087% of alleles in individuals of Latino descent in gnomAD. At this time, the clinical significance of this variant is uncertain due to the absence of conclusive functional and genetic evidence.

NM_001378457.1(DMXL2):c.6781G>A (p.Ala2261Thr)

Gene: DMXL2 (Dmx like 2; minus strand). Cytogenetic location: 15q21.2.
Variant type: single nucleotide variant.
Coding change: c.6781G>A on transcript NM_001378457.1 (MANE Select); coding-DNA position 6781, G replaced by A.
Protein change: p.Ala2261Thr; replaces alanine 2261 with threonine.
Molecular consequence: missense variant. On other transcripts: non-coding transcript variant (2).
Genome position (GRCh38, 1-based): chr15:51,478,323, C>T on the plus strand (G>A on the coding strand, the complement: DMXL2 is on the minus strand). VCF-style: chr15-51478323-C-T. GRCh37 (hg19) VCF-style: chr15-51770520-C-T.
Other names: c.6781G>A, p.Ala2261Thr (NM_001174116.3, NM_001378458.1, NM_001378459.1 and 4 more transcripts); c.4873G>A, p.Ala1625Thr (NM_001174117.3); c.4762G>A, p.Ala1588Thr (NM_001378460.1); c.6541G>A, p.Ala2181Thr (NM_001378464.1); short protein forms A2261T, A1625T, A1588T, A2181T.
Identifiers: ClinVar variation 4988643 (VCV004988643.1).